The following is an entry in ClinVar:

ClinVar aggregate classification (germline): Likely benign. Review status: criteria provided, multiple submitters, no conflicts (2 of 4 stars). 3 submissions from 3 submitters: Likely benign (2). 1 of the submissions does not count toward it. Last evaluated 2019-12-31.

Conditions:
MCTP2-related disorder. Also called: MCTP2-related condition.

Allele frequency attached by ClinVar (database versions not stated): ESP Exome Variant Server 0.00015; gnomAD 0.00028 and 0.00031; TOPMed 0.00033.
gnomAD v4.1: 459 of 1,613,728 alleles (0.028%); highest among the groups gnomAD compares: Non-Finnish European, 0.035%; no homozygotes.

Submissions (3):

Labcorp Genetics (formerly Invitae), Labcorp
Classification: Likely benign. Last evaluated: 2019-12-31. Review status: criteria provided, single submitter. Criteria: Invitae Variant Classification Sherloc (09022015). Collection method: clinical testing. Allele origin: germline.

Breakthrough Genomics
Classification: Likely benign. Review status: criteria provided, single submitter. Criteria: ACMG Guidelines, 2015. Collection method: not provided. Allele origin: germline. Inheritance: Unknown mechanism. Affected: yes.

PreventionGenetics, part of Exact Sciences
Classification: Likely benign for MCTP2-related condition. Last evaluated: 2019-09-17. Review status: no assertion criteria provided. Collection method: clinical testing. Allele origin: germline. Not counted in ClinVar's aggregate classification.
Comment: This variant is classified as likely benign based on ACMG/AMP sequence variant interpretation guidelines (Richards et al. 2015 PMID: 25741868, with internal and published modifications).

NM_001385001.1(MCTP2):c.1635G>A (p.Thr545=)

Gene: MCTP2 (multiple C2 and transmembrane domain containing 2; plus strand). Cytogenetic location: 15q26.2.
Variant type: single nucleotide variant.
Coding change: c.1635G>A on transcript NM_001385001.1 (MANE Select); coding-DNA position 1635, G replaced by A.
Protein change: p.Thr545=; no amino-acid change (threonine 545 retained).
Molecular consequence: synonymous variant. On other transcripts: non-coding transcript variant (7).
Genome position (GRCh38, 1-based): chr15:94,384,074, G>A. VCF-style: chr15-94384074-G-A. GRCh37 (hg19) VCF-style: chr15-94927303-G-A.
Other names: c.1635G>A, p.Thr545= (NM_001159643.2, NM_001385002.1, NM_001385003.1 and 5 more transcripts); c.399G>A, p.Thr133= (NM_001159644.2); c.1353G>A, p.Thr451= (NM_001385007.1); c.1137G>A, p.Thr379= (NM_001385009.1, NM_001385010.1); c.1317G>A, p.Thr439= (NM_001385011.1).
Identifiers: ClinVar variation 725924 (VCV000725924.7), dbSNP rs367649982, ClinGen allele CA7750057.